The following is an entry in ClinVar:

ClinVar aggregate classification (germline): Conflicting classifications of pathogenicity. Review status: criteria provided, conflicting classifications (1 of 4 stars). 3 submissions from 3 submitters: Uncertain significance (1); Likely benign (2). Last evaluated 2026-01-12.

Conditions:
Inborn genetic diseases. Identifiers: MedGen C0950123, MeSH D030342.
Wilms tumor 1 (WT1). Also called: Wilms tumor, somatic. Identifiers: Orphanet 654, MedGen CN033288, MONDO:0008679, OMIM 194070.
Drash syndrome (DDS). Also called: NEPHROPATHY, WILMS TUMOR, AND GENITAL ANOMALIES; WILMS TUMOR AND PSEUDO- OR TRUE HERMAPHRODITISM. Identifiers: Orphanet 220, MedGen C0950121, MONDO:0008682, OMIM 194080.
11p partial monosomy syndrome (WAGR). Also called: WAGR Spectrum Disorder; CHROMOSOME 11p13 DELETION SYNDROME; WAGR syndrome; WAGR Complex. Identifiers: Orphanet 893, MedGen C0206115, MONDO:0008681, OMIM 194072.
Frasier syndrome. Identifiers: Orphanet 347, MedGen C0950122, MeSH D052159, MONDO:0007635, OMIM 136680.

Submissions (3):

Ambry Genetics
Classification: Likely benign for Inborn genetic diseases. Last evaluated: 2026-01-12. Review status: criteria provided, single submitter. Criteria: Ambry Variant Classification Scheme 2023. Collection method: clinical testing. Allele origin: germline.

Labcorp Genetics (formerly Invitae), Labcorp
Classification: Likely benign for Wilms tumor 1; Drash syndrome; 11p partial monosomy syndrome; Frasier syndrome. Last evaluated: 2023-08-22. Review status: criteria provided, single submitter. Criteria: Invitae Variant Classification Sherloc (09022015). Collection method: clinical testing. Allele origin: germline.

GeneDx
Classification: Uncertain significance. Last evaluated: 2022-11-16. Review status: criteria provided, single submitter. Criteria: GeneDx Variant Classification Process June 2021. Collection method: clinical testing. Allele origin: germline. Affected: yes.
Comment: Not observed at significant frequency in large population cohorts (gnomAD); In silico analysis supports that this variant does not alter splicing; Has not been previously published as pathogenic or benign to our knowledge

NM_024426.6(WT1):c.114C>G (p.Val38=)

Genes: WT1 (WT1 transcription factor; minus strand), LOC107982234 (WT1/WT1-AS bi-directional promoter region; plus strand). Cytogenetic location: 11p13.
Variant type: single nucleotide variant.
Coding change: c.114C>G on transcript NM_024426.6 (MANE Select); coding-DNA position 114, C replaced by G.
Protein change: p.Val38=; no amino-acid change (valine 38 retained).
Molecular consequence: synonymous variant. On other transcripts: non-coding transcript variant (2).
Genome position (GRCh38, 1-based): chr11:32,435,247, G>C on the plus strand (C>G on the coding strand, the complement: WT1 is on the minus strand). VCF-style: chr11-32435247-G-C. GRCh37 (hg19) VCF-style: chr11-32456793-G-C.
Other names: c.114C>G, p.Val38= (NM_000378.6, NM_001407044.1, NM_001407045.1 and 6 more transcripts); c.99C>G, p.Val33= (NM_024425.2).
Identifiers: ClinVar variation 2502691 (VCV002502691.5), dbSNP rs2494488708, ClinGen allele CA473773290.
Genomic context (GRCh38, chr11:32,435,247, plus strand): 5'-GAGACGTTCAGCGCTGGCCTCGGCGGCGCCTAACTTGGCCCAGATGCCGCCCGGGTCCCG[G>C]ACTCCCTGCTGCTCTGGCTGCTGTAGGCACCCAGGCCCGGAGCGGAGCGTGTGCTGAGAC-3'
Protein context (NP_077744.4, residues 28-48): GCLQQPEQQG[Val38=]RDPGGIWAKL